The following is an entry in ClinVar:

ClinVar aggregate classification (germline): Uncertain significance (0 of 4 stars; one submission).

Submission:

Department of Pathology and Laboratory Medicine, Sinai Health System
Classification: Uncertain significance. Review status: no assertion criteria provided. Collection method: clinical testing. Allele origin: unknown. Affected: yes. Study: The Canadian Open Genetics Repository (COGR).
Comment: The SETX p.M1506R variant was not identified in the literature nor was it identified in ClinVar,. The variant was identified in dbSNP (ID: rs199974622) and in control databases in 3 of 282626 chromosomes at a frequency of 0.00001061 (Genome Aggregation Database March 6, 2019, v2.1.1). The p.M1506 residue is conserved in mammals and computational analyses (MUT Assesor, SIFT, MutationTaster, Revel, FATHMM, MetaLR, DANN) suggest that the variant may impact the protein; however, this information is not predictive enough to assume pathogenicity. The variant occurs outside of the splicing consensus sequence and in silico or computational prediction software programs (Splice AI exome) do not predict a deleterious effect on splicing. In summary, based on the above information the clinical significance of this variant cannot be determined with certainty at this time. This variant is classified as a variant of uncertain significance.

NM_015046.7(SETX):c.4517T>G (p.Met1506Arg)

Gene: SETX (senataxin; minus strand). Cytogenetic location: 9q34.13.
Variant type: single nucleotide variant.
Coding change: c.4517T>G on transcript NM_015046.7 (MANE Select); coding-DNA position 4517, T replaced by G.
Protein change: p.Met1506Arg; replaces methionine 1506 with arginine.
Molecular consequence: missense variant.
Genome position (GRCh38, 1-based): chr9:132,327,081, A>C on the plus strand (T>G on the coding strand, the complement: SETX is on the minus strand). VCF-style: chr9-132327081-A-C. GRCh37 (hg19) VCF-style: chr9-135202468-A-C.
Other names: c.4517T>G, p.Met1506Arg (NM_001351527.2, NM_001351528.2); short protein forms M1506R.
Identifiers: ClinVar variation 1050055 (VCV001050055.1), dbSNP rs199974622, ClinGen allele CA5297186.